The following is an entry in ClinVar:

ClinVar aggregate classification (germline): Likely benign (1 of 4 stars; one submission).

Submission:

GeneDx
Classification: Likely benign. Last evaluated: 2019-10-05. Review status: criteria provided, single submitter. Criteria: GeneDx Variant Classification Process June 2021. Collection method: clinical testing. Allele origin: germline. Affected: yes.
Comment: See Variant Classification Assertion Criteria.

NM_144691.4(CAPN12):c.1374+76_1374+96del

Gene: CAPN12 (calpain 12; minus strand). Cytogenetic location: 19q13.2.
Variant type: Deletion.
Coding change: c.1374+76_1374+96del on transcript NM_144691.4 (MANE Select); bases 76 to 96 of the intron after coding-DNA position 1374, 21 bases deleted (CTTGGTCAAACTGCCCTGGGG).
Molecular consequence: intron variant.
Genome position (GRCh38, 1-based): chr19:38,736,456-38,736,476, CCCCAGGGCAGTTTGACCAAG deleted on the plus strand (CTTGGTCAAACTGCCCTGGGG on the coding strand, the reverse complement: CAPN12 is on the minus strand); deleting any 21 consecutive bases within chr19:38,736,456-38,736,487 gives the same sequence; the c. name uses the placement nearest the transcript's 3' end. VCF-style (leftmost placement, unchanged base first): chr19-38736455-CCCCCAGGGCAGTTTGACCAAG-C. GRCh37 (hg19) VCF-style: chr19-39227095-CCCCCAGGGCAGTTTGACCAAG-C.
Identifiers: ClinVar variation 4795384 (VCV004795384.1).
Genomic context (GRCh38, chr19:38,736,455, plus strand): 5'-CCACCCTGCCTAACCCCTGTCCACGCCTCCCCTGCCCCCGGACCCGGCTCTGCCCCCCCA[CCCCCAGGGCAGTTTGACCAAG>C]CCCCAGGGCAGGTTGACCAAGCCCCAGGGCAGGTTGACCAAGCCCCAGGGCCGGTTGACC-3'